The following is an entry in ClinVar:

ClinVar aggregate classification (germline): Uncertain significance. Review status: criteria provided, multiple submitters, no conflicts (2 of 4 stars). 3 submissions from 3 submitters: Uncertain significance (3). Last evaluated 2022-12-15.

Conditions:
Spastic paraplegia. Identifiers: MedGen C0037772, HP:0001258.

Allele frequency attached by ClinVar (database versions not stated): gnomAD exomes below 0.00001; gnomAD 0.00001; TOPMed 0.00002.
gnomAD v4.1: 6 of 1,614,128 alleles (0.00037%); highest among the groups gnomAD compares: Middle Eastern, 0.033%; no homozygotes.

Submissions (3):

GeneDx
Classification: Uncertain significance. Last evaluated: 2022-12-15. Review status: criteria provided, single submitter. Criteria: GeneDx Variant Classification Process June 2021. Collection method: clinical testing. Allele origin: germline. Affected: yes.
Comment: Not observed at significant frequency in large population cohorts (gnomAD); In silico analysis supports that this missense variant does not alter protein structure/function; Has not been previously published as pathogenic or benign to our knowledge

Labcorp Genetics (formerly Invitae), Labcorp
Classification: Uncertain significance for Spastic paraplegia. Last evaluated: 2021-10-24. Review status: criteria provided, single submitter. Criteria: Invitae Variant Classification Sherloc (09022015). Collection method: clinical testing. Allele origin: germline.
Comment: This sequence change replaces isoleucine with valine at codon 2227 of the ZFYVE26 protein (p.Ile2227Val). The isoleucine residue is moderately conserved and there is a small physicochemical difference between isoleucine and valine. This variant is not present in population databases (ExAC no frequency). This variant has not been reported in the literature in individuals with ZFYVE26-related conditions. Algorithms developed to predict the effect of missense changes on protein structure and function (SIFT, PolyPhen-2, Align-GVGD) all suggest that this variant is likely to be tolerated, but these predictions have not been confirmed by published functional studies and their clinical significance is uncertain. In summary, the available evidence is currently insufficient to determine the role of this variant in disease. Therefore, it has been classified as a Variant of Uncertain Significance.

Breakthrough Genomics
Classification: Uncertain significance. Review status: criteria provided, single submitter. Criteria: ACMG Guidelines, 2015. Collection method: not provided. Allele origin: germline. Inheritance: Autosomal recessive inheritance. Affected: yes.

NM_015346.4(ZFYVE26):c.6679A>G (p.Ile2227Val)

Gene: ZFYVE26 (zinc finger FYVE-type containing 26; minus strand). Cytogenetic location: 14q24.1.
Variant type: single nucleotide variant.
Coding change: c.6679A>G on transcript NM_015346.4 (MANE Select); coding-DNA position 6679, A replaced by G.
Protein change: p.Ile2227Val; replaces isoleucine 2227 with valine.
Molecular consequence: missense variant.
Genome position (GRCh38, 1-based): chr14:67,756,055, T>C on the plus strand (A>G on the coding strand, the complement: ZFYVE26 is on the minus strand). VCF-style: chr14-67756055-T-C. GRCh37 (hg19) VCF-style: chr14-68222772-T-C.
Other names: c.6679A>G (NM_015346.3); short protein forms I2227V.
Identifiers: ClinVar variation 1387805 (VCV001387805.4), dbSNP rs1018266195, ClinGen allele CA262814564.